The following is an entry in ClinVar:

ClinVar aggregate classification (germline): Uncertain significance (1 of 4 stars; one submission).

Conditions:
MHC class II deficiency. Also called: Bare lymphocyte syndrome 2; BLS, TYPE II. Identifiers: Orphanet 572, MedGen C5447452, MONDO:0008855.

Submission:

Labcorp Genetics (formerly Invitae), Labcorp
Classification: Uncertain significance for MHC class II deficiency. Last evaluated: 2022-06-10. Review status: criteria provided, single submitter. Criteria: Invitae Variant Classification Sherloc (09022015). Collection method: clinical testing. Allele origin: germline.
Comment: This sequence change replaces alanine, which is neutral and non-polar, with glycine, which is neutral and non-polar, at codon 689 of the CIITA protein (p.Ala689Gly). This variant is not present in population databases (gnomAD no frequency). This variant has not been reported in the literature in individuals affected with CIITA-related conditions. Algorithms developed to predict the effect of missense changes on protein structure and function are either unavailable or do not agree on the potential impact of this missense change (SIFT: "Tolerated"; PolyPhen-2: "Possibly Damaging"; Align-GVGD: "Class C0"). In summary, the available evidence is currently insufficient to determine the role of this variant in disease. Therefore, it has been classified as a Variant of Uncertain Significance.

NM_000246.4(CIITA):c.2066C>G (p.Ala689Gly)

Gene: CIITA (class II major histocompatibility complex transactivator; plus strand). Cytogenetic location: 16p13.13.
Variant type: single nucleotide variant.
Coding change: c.2066C>G on transcript NM_000246.4 (MANE Select); coding-DNA position 2066, C replaced by G.
Protein change: p.Ala689Gly; replaces alanine 689 with glycine.
Molecular consequence: missense variant. On other transcripts: intron variant (1).
Genome position (GRCh38, 1-based): chr16:10,907,558, C>G. VCF-style: chr16-10907558-C-G. GRCh37 (hg19) VCF-style: chr16-11001415-C-G.
Other names: c.2069C>G, p.Ala690Gly (NM_001286402.1, NM_001379332.1); c.1922C>G, p.Ala641Gly (NM_001379330.1); c.1919C>G, p.Ala640Gly (NM_001379331.1); c.2066C>G, p.Ala689Gly (NM_001379333.1); c.1997C>G, p.Ala666Gly (NM_001379334.1); c.860-1425C>G (NM_001286403.2); short protein forms A641G, A640G, A666G, A689G, A690G.
Identifiers: ClinVar variation 1999979 (VCV001999979.4), dbSNP rs144027273, ClinGen allele CA394732322.
Genomic context (GRCh38, chr16:10,907,558, plus strand): 5'-GCAGACATCAAAGTACCCTACAGGAGGACCAGTTCCCATCCGCAGACGTGAGGACCTGGG[C>G]GATGGCCAAAGGCTTAGTCCAACACCCACCGCGGGCCGCAGAGTCCGAGCTGGCCTTCCC-3'
Protein context (NP_000237.2, residues 679-699): QFPSADVRTW[Ala689Gly]MAKGLVQHPP